The following is an entry in ClinVar:

ClinVar aggregate classification (germline): Uncertain significance. Review status: criteria provided, multiple submitters, no conflicts (2 of 4 stars). 2 submissions from 2 submitters: Uncertain significance (2). Last evaluated 2024-01-14.

Conditions:
Inborn genetic diseases. Identifiers: MedGen C0950123, MeSH D030342.

Allele frequency attached by ClinVar (database versions not stated): gnomAD exomes below 0.00001; ExAC 0.00001.

Submissions (2):

Labcorp Genetics (formerly Invitae), Labcorp
Classification: Uncertain significance. Last evaluated: 2024-01-14. Review status: criteria provided, single submitter. Criteria: Invitae Variant Classification Sherloc (09022015). Collection method: clinical testing. Allele origin: germline.
Comment: This sequence change replaces leucine, which is neutral and non-polar, with proline, which is neutral and non-polar, at codon 255 of the GUCY2C protein (p.Leu255Pro). This variant is present in population databases (rs761755045, gnomAD 0.0009%). This variant has not been reported in the literature in individuals affected with GUCY2C-related conditions. ClinVar contains an entry for this variant (Variation ID: 2521009). Advanced modeling of protein sequence and biophysical properties (such as structural, functional, and spatial information, amino acid conservation, physicochemical variation, residue mobility, and thermodynamic stability) performed at Invitae indicates that this missense variant is not expected to disrupt GUCY2C protein function with a negative predictive value of 80%. In summary, the available evidence is currently insufficient to determine the role of this variant in disease. Therefore, it has been classified as a Variant of Uncertain Significance.

Ambry Genetics
Classification: Uncertain significance for Inborn genetic diseases. Last evaluated: 2023-04-25. Review status: criteria provided, single submitter. Criteria: Ambry Variant Classification Scheme 2023. Collection method: clinical testing. Allele origin: germline.

NM_004963.4(GUCY2C):c.764T>C (p.Leu255Pro)

Genes: GUCY2C (guanylate cyclase 2C; minus strand), GUCY2C-AS1 (GUCY2C antisense RNA 1; plus strand). Cytogenetic location: 12p12.3.
Variant type: single nucleotide variant.
Coding change: c.764T>C on transcript NM_004963.4 (MANE Select); coding-DNA position 764, T replaced by C.
Protein change: p.Leu255Pro; replaces leucine 255 with proline.
Molecular consequence: missense variant.
Genome position (GRCh38, 1-based): chr12:14,679,723, A>G on the plus strand (T>C on the coding strand, the complement: GUCY2C is on the minus strand). VCF-style: chr12-14679723-A-G. GRCh37 (hg19) VCF-style: chr12-14832657-A-G.
Other names: short protein forms L255P.
Identifiers: ClinVar variation 2521009 (VCV002521009.5), dbSNP rs761755045, ClinGen allele CA6463659.